The following is an entry in ClinVar:

NM_016653.3(MAP3K20):c.349+18A>G

Gene: MAP3K20 (mitogen-activated protein kinase kinase kinase 20; plus strand). Cytogenetic location: 2q31.1.
Variant type: single nucleotide variant.
Coding change: c.349+18A>G on transcript NM_016653.3 (MANE Select); 18 bases into the intron after coding-DNA position 349, A replaced by G.
Molecular consequence: intron variant.
Genome position (GRCh38, 1-based): chr2:173,182,973, A>G. VCF-style: chr2-173182973-A-G. GRCh37 (hg19) VCF-style: chr2-174047701-A-G.
Other names: c.349+18A>G (NM_133646.3).
Identifiers: ClinVar variation 1928346 (VCV001928346.5), dbSNP rs1391294807, ClinGen allele CA760824452.

ClinVar aggregate classification (germline): Uncertain significance (1 of 4 stars; one submission).

Allele frequency attached by ClinVar (database versions not stated): gnomAD exomes below 0.00001; TOPMed 0.00001.
gnomAD v4.1: 1 of 1,578,342 alleles (0.000063%); highest among the groups gnomAD compares: Non-Finnish European, 0.000086%; no homozygotes.

Submission:

Labcorp Genetics (formerly Invitae), Labcorp
Classification: Uncertain significance. Last evaluated: 2022-06-03. Review status: criteria provided, single submitter. Criteria: Invitae Variant Classification Sherloc (09022015). Collection method: clinical testing. Allele origin: germline.
Comment: This sequence change falls in intron 4 of the MAP3K20 gene. It does not directly change the encoded amino acid sequence of the MAP3K20 protein. This variant is not present in population databases (gnomAD no frequency). This variant has not been reported in the literature in individuals affected with MAP3K20-related conditions. Algorithms developed to predict the effect of sequence changes on RNA splicing suggest that this variant may create or strengthen a splice site. In summary, the available evidence is currently insufficient to determine the role of this variant in disease. Therefore, it has been classified as a Variant of Uncertain Significance.